The following is an entry in ClinVar:

ClinVar aggregate classification (germline): Uncertain significance (1 of 4 stars; one submission).

Conditions:
Oligodontia-cancer predisposition syndrome. Also called: TOOTH AGENESIS-COLORECTAL CANCER SYNDROME. Identifiers: Orphanet 300576, MedGen C1837750, MONDO:0012075, OMIM 608615. Disease mechanism: loss of function.

Submission:

Labcorp Genetics (formerly Invitae), Labcorp
Classification: Uncertain significance for Oligodontia-cancer predisposition syndrome. Last evaluated: 2024-05-18. Review status: criteria provided, single submitter. Criteria: Invitae Variant Classification Sherloc (09022015). Collection method: clinical testing. Allele origin: germline.
Comment: This sequence change replaces proline, which is neutral and non-polar, with serine, which is neutral and polar, at codon 353 of the AXIN2 protein (p.Pro353Ser). This variant is not present in population databases (gnomAD no frequency). This variant has not been reported in the literature in individuals affected with AXIN2-related conditions. An algorithm developed to predict the effect of missense changes on protein structure and function (PolyPhen-2) suggests that this variant is likely to be disruptive. In summary, the available evidence is currently insufficient to determine the role of this variant in disease. Therefore, it has been classified as a Variant of Uncertain Significance.

NM_004655.4(AXIN2):c.1057C>T (p.Pro353Ser)

Gene: AXIN2 (axin 2; minus strand). Cytogenetic location: 17q24.1.
Variant type: single nucleotide variant.
Coding change: c.1057C>T on transcript NM_004655.4 (MANE Select); coding-DNA position 1057, C replaced by T.
Protein change: p.Pro353Ser; replaces proline 353 with serine.
Molecular consequence: missense variant.
Genome position (GRCh38, 1-based): chr17:65,541,457, G>A on the plus strand (C>T on the coding strand, the complement: AXIN2 is on the minus strand). VCF-style: chr17-65541457-G-A. GRCh37 (hg19) VCF-style: chr17-63537575-G-A.
Other names: c.1057C>T, p.Pro353Ser (NM_001363813.1); short protein forms P353S.
Identifiers: ClinVar variation 2767366 (VCV002767366.3), dbSNP rs2144499785, ClinGen allele CA400679049.